The following is an entry in ClinVar:

ClinVar aggregate classification (germline): Benign/Likely benign. Review status: criteria provided, multiple submitters, no conflicts (2 of 4 stars). 5 submissions from 5 submitters: Benign (3); Likely benign (1). 1 of the submissions does not count toward it. Last evaluated 2026-01-19.

Conditions:
Inborn genetic diseases. Identifiers: MedGen C0950123, MeSH D030342.
DNAH9-related disorder. Also called: DNAH9-related condition.

Allele frequency attached by ClinVar (database versions not stated): 1000 Genomes Project 30x 0.00094; TOPMed 0.00191; gnomAD 0.00201 and 0.00214; gnomAD exomes 0.00239 and 0.00271; ExAC 0.00269; ESP Exome Variant Server 0.00284; 1000 Genomes Project 0.00080.
gnomAD v4.1: 4,225 of 1,613,886 alleles (0.26%); highest among the groups gnomAD compares: Non-Finnish European, 0.32%; 14 homozygotes.

Submissions (5):

Labcorp Genetics (formerly Invitae), Labcorp
Classification: Benign. Last evaluated: 2026-01-19. Review status: criteria provided, single submitter. Criteria: Invitae Variant Classification Sherloc (09022015). Collection method: clinical testing. Allele origin: germline.

Mayo Clinic Laboratories, Mayo Clinic
Classification: Benign. Last evaluated: 2025-02-14. Review status: criteria provided, single submitter. Criteria: ACMG Guidelines, 2015. Collection method: clinical testing. Allele origin: germline. Observed: 2 variant alleles.
Comment: BS1, BS2

Ambry Genetics
Classification: Likely benign for Inborn genetic diseases. Last evaluated: 2021-09-03. Review status: criteria provided, single submitter. Criteria: Ambry Variant Classification Scheme 2023. Collection method: clinical testing. Allele origin: germline.

Breakthrough Genomics
Classification: Benign. Review status: criteria provided, single submitter. Criteria: ACMG Guidelines, 2015. Collection method: not provided. Allele origin: germline. Inheritance: Autosomal recessive inheritance. Affected: yes.

PreventionGenetics, part of Exact Sciences
Classification: Likely benign for DNAH9-related condition. Last evaluated: 2019-09-24. Review status: no assertion criteria provided. Collection method: clinical testing. Allele origin: germline. Not counted in ClinVar's aggregate classification.
Comment: This variant is classified as likely benign based on ACMG/AMP sequence variant interpretation guidelines (Richards et al. 2015 PMID: 25741868, with internal and published modifications).

NM_001372.4(DNAH9):c.10070C>T (p.Ser3357Phe)

Gene: DNAH9 (dynein axonemal heavy chain 9; plus strand). Cytogenetic location: 17p12.
Variant type: single nucleotide variant.
Coding change: c.10070C>T on transcript NM_001372.4 (MANE Select); coding-DNA position 10070, C replaced by T.
Protein change: p.Ser3357Phe; replaces serine 3357 with phenylalanine.
Molecular consequence: missense variant.
Genome position (GRCh38, 1-based): chr17:11,871,614, C>T. VCF-style: chr17-11871614-C-T. GRCh37 (hg19) VCF-style: chr17-11774931-C-T.
Other names: p.Ser3357Phe; c.10070C>T (NM_001372.3); short protein forms S3357F.
Identifiers: ClinVar variation 1165194 (VCV001165194.12), dbSNP rs146871107, ClinGen allele CA8397407.